The following is an entry in ClinVar:

NM_002473.6(MYH9):c.2839-6C>T

Genes: MYH9 (myosin heavy chain 9; minus strand), LOC126863137 (CDK7 strongly-dependent group 2 enhancer GRCh37_chr22:36696002-36697201; plus strand). Cytogenetic location: 22q12.3.
Variant type: single nucleotide variant.
Coding change: c.2839-6C>T on transcript NM_002473.6 (MANE Select); 6 bases into the intron before coding-DNA position 2839, C replaced by T.
Molecular consequence: intron variant.
Genome position (GRCh38, 1-based): chr22:36,300,270, G>A on the plus strand (C>T on the coding strand, the complement: MYH9 is on the minus strand). VCF-style: chr22-36300270-G-A. GRCh37 (hg19) VCF-style: chr22-36696316-G-A.
Identifiers: ClinVar variation 505651 (VCV000505651.10), dbSNP rs774361853, ClinGen allele CA10209834.
Genomic context (GRCh38, chr22:36,300,270, plus strand): 5'-CCAGCTGCAGCTTCTGCCGGGCGCTCTCCTCCTCCTCCAGCTGCTCCTCAAGCTCCTGCC[G>A]GGGGCCAGAGACACGGTAAGGACAGCAGGCCCAGAGGCATGGCCAAGGTGAAGGCAGCAA-3'

ClinVar aggregate classification (germline): Likely benign. Review status: criteria provided, multiple submitters, no conflicts (2 of 4 stars). 3 submissions from 3 submitters: Likely benign (3). Last evaluated 2025-11-18.

Allele frequency attached by ClinVar (database versions not stated): TOPMed 0.00002; gnomAD exomes 0.00005 and 0.00006; gnomAD 0.00006; ExAC 0.00008.

Submissions (3):

Labcorp Genetics (formerly Invitae), Labcorp
Classification: Likely benign. Last evaluated: 2025-11-18. Review status: criteria provided, single submitter. Criteria: Invitae Variant Classification Sherloc (09022015). Collection method: clinical testing. Allele origin: germline.

Blueprint Genetics
Classification: Likely benign. Last evaluated: 2024-09-17. Review status: criteria provided, single submitter. Criteria: ACMG Guidelines, 2015. Collection method: clinical testing. Allele origin: germline.

Laboratory for Molecular Medicine, Mass General Brigham Personalized Medicine
Classification: Likely benign. Last evaluated: 2017-07-05. Review status: criteria provided, single submitter. Criteria: LMM Criteria. Collection method: clinical testing. Allele origin: germline. Observed: 2 variant alleles.
Comment: c.2839-6C>T in intron 22 of MYH9: This variant is not expected to have clinical significance because a C>T change at this position does not diverge from the spl ice consensus sequence and is therefore unlikely to impact splicing. It has been identified in 15/126566 European chromosomes by the Genome Aggregation Database (gnomAD; dbSNP rs774361853).